The following is an entry in ClinVar:

ClinVar aggregate classification (germline): Uncertain significance (1 of 4 stars; one submission).

gnomAD v4.1: 5 of 1,614,056 alleles (0.00031%); highest among the groups gnomAD compares: Admixed American, 0.005%; no homozygotes.

Submission:

Women's Health and Genetics/Laboratory Corporation of America, LabCorp
Classification: Uncertain significance. Last evaluated: 2025-03-10. Review status: criteria provided, single submitter. Criteria: LabCorp Variant Classification Summary - May 2015. Collection method: clinical testing. Allele origin: germline.
Comment: Variant summary: VWF c.497A>C (p.Asn166Thr) results in a non-conservative amino acid change in the encoded protein sequence. Five of five in-silico tools predict a damaging effect of the variant on protein function. The variant allele was found at a frequency of 8e-06 in 251474 control chromosomes. The available data on variant occurrences in the general population are insufficient to allow any conclusion about variant significance. To our knowledge, no occurrence of c.497A>C in individuals affected with Von Willebrand Disease and no experimental evidence demonstrating its impact on protein function have been reported. No submitters have cited clinical-significance assessments for this variant to ClinVar. Based on the evidence outlined above, the variant was classified as uncertain significance.

NM_000552.5(VWF):c.497A>C (p.Asn166Thr)

Gene: VWF (von Willebrand factor; minus strand). Cytogenetic location: 12p13.31.
Variant type: single nucleotide variant.
Coding change: c.497A>C on transcript NM_000552.5 (MANE Select); coding-DNA position 497, A replaced by C.
Protein change: p.Asn166Thr; replaces asparagine 166 with threonine.
Molecular consequence: missense variant.
Genome position (GRCh38, 1-based): chr12:6,110,409, T>G on the plus strand (A>C on the coding strand, the complement: VWF is on the minus strand). VCF-style: chr12-6110409-T-G. GRCh37 (hg19) VCF-style: chr12-6219575-T-G.
Other names: short protein forms N166T.
Identifiers: ClinVar variation 3895745 (VCV003895745.1).